The following is an entry in ClinVar:

NM_000059.4(BRCA2):c.9195_9196delinsAT (p.Phe3065_Gln3066delinsLeuTer)

Gene: BRCA2 (BRCA2 DNA repair associated; plus strand). Cytogenetic location: 13q13.1.
Variant type: Indel.
Coding change: c.9195_9196delinsAT on transcript NM_000059.4 (MANE Select); coding-DNA positions 9195 to 9196, TC replaced by AT.
Protein change: p.Phe3065_Gln3066delinsLeuTer.
Molecular consequence: nonsense.
Genome position (GRCh38, 1-based): chr13:32,380,084-32,380,085, TC replaced by AT. VCF-style: chr13-32380084-TC-AT. GRCh37 (hg19) VCF-style: chr13-32954221-TC-AT.
Other names: c.9195_9196delTCinsAT (NM_000059.3).
Identifiers: ClinVar variation 231244 (VCV000231244.20), dbSNP rs876659047, ClinGen allele CA10579815.

ClinVar aggregate classification (germline): Pathogenic. Review status: criteria provided, multiple submitters, no conflicts (2 of 4 stars). 6 submissions from 6 submitters: Pathogenic (5). 1 of the submissions does not count toward it. Last evaluated 2025-11-17.

Conditions:
Hereditary cancer-predisposing syndrome. Also called: Hereditary Cancer Syndrome; Neoplastic Syndromes, Hereditary; Tumor predisposition; Hereditary neoplastic syndrome. Identifiers: Orphanet 140162, MedGen C0027672, MeSH D009386, MONDO:0015356.
Breast-ovarian cancer, familial, susceptibility to, 2 (BROVCA2). Also called: BRCA2 Hereditary Breast and Ovarian Cancer. Identifiers: Orphanet 145, MedGen C2675520, MONDO:0012933, OMIM 612555. Disease mechanism: loss of function.
Hereditary breast ovarian cancer syndrome. Also called: Hereditary breast and/or ovarian cancer syndrome; BRCA1- and BRCA2-Associated Hereditary Breast and Ovarian Cancer; Hereditary breast and ovarian cancer syndrome (HBOC); Hereditary breast and ovarian cancer; Hereditary breast and ovarian cancer syndrome; Breast and ovarian cancer. Identifiers: Orphanet 145, MedGen C0677776, MeSH D061325, MONDO:0003582. Disease mechanism: loss of function.
Familial cancer of breast. Also called: Hereditary breast cancer; hereditary breast carcinoma; BREAST CANCER, FAMILIAL. Identifiers: Orphanet 227535, MedGen C0346153, MONDO:0016419, OMIM 114480. Disease mechanism: loss of function.

Submissions (6):

Ambry Genetics
Classification: Pathogenic for Hereditary cancer-predisposing syndrome. Last evaluated: 2025-11-17. Review status: criteria provided, single submitter. Criteria: Ambry Variant Classification Scheme 2023. Collection method: clinical testing. Allele origin: germline.
Comment: The c.9195_9196delTCinsAT pathogenic mutation, located in coding exon 23 of the BRCA2 gene, results from the deletion of TC and insertion of AT between nucleotide positions 9195 and 9196. This changes the amino acid from a glutamine to a stop codon at amino acid position 3066. This variant is considered to be rare based on population cohorts in the Genome Aggregation Database (gnomAD). This alteration is expected to result in loss of function by premature protein truncation or nonsense-mediated mRNA decay. As such, this alteration is interpreted as a disease-causing mutation.

Labcorp Genetics (formerly Invitae), Labcorp
Classification: Pathogenic for Hereditary breast ovarian cancer syndrome. Last evaluated: 2025-07-31. Review status: criteria provided, single submitter. Criteria: Invitae Variant Classification Sherloc (09022015). Collection method: clinical testing. Allele origin: germline.
Comment: This sequence change creates a premature translational stop signal (p.Phe3065_Gln3066delinsLeu*) in the BRCA2 gene. It is expected to result in an absent or disrupted protein product. Loss-of-function variants in BRCA2 are known to be pathogenic (PMID: 20104584). Information on the frequency of this variant in the gnomAD database is not available, as this variant may be reported differently in the database. This premature translational stop signal has been observed in individual(s) with BRCA2-related disease (PMID: 14559878, 24504028). ClinVar contains an entry for this variant (Variation ID: 231244). For these reasons, this variant has been classified as Pathogenic.

MGZ Medical Genetics Center
Classification: Pathogenic for Familial cancer of breast. Last evaluated: 2021-10-12. Review status: criteria provided, single submitter. Criteria: ACMG Guidelines, 2015. Collection method: clinical testing. Allele origin: germline. Affected: yes. Observed: 1 variant allele.
Comment: ACMG criteria applied: PVS1, PS1, PM2_SUP

Women's Health and Genetics/Laboratory Corporation of America, LabCorp
Classification: Pathogenic for Hereditary breast ovarian cancer syndrome. Last evaluated: 2021-04-10. Review status: criteria provided, single submitter. Criteria: LabCorp Variant Classification Summary - May 2015. Collection method: clinical testing. Allele origin: germline.
Comment: Variant summary: BRCA2 c.9195_9196delinsAT (p.Phe3065LeufsX2) results in a premature termination codon, predicted to cause a truncation of the encoded protein or absence of the protein due to nonsense mediated decay, which are commonly known mechanisms for disease. This variant is interpreted as a combination of two adjacent nucleotide changes in cis, namely c.9195T>A (p.Phe3065Leu) and c.9196C>T (p.Gln3066*) resulting in an annotation as c.9195_9196delinsAT. The BIC database reports two records of these variants co-occurring in the same individual. Truncations downstream of this position have been classified as pathogenic by our laboratory. Both the individual variant combinations and the joint delins variant are absent in 251286 control chromosomes. This variant, annotated as c.9195_9196delinsAT has been reported at-least once in the literature in an individual affected with breast and ovarian cancer (example, Meulemans_2020). However, c.9196C>T (p.Gln3066*) has been reported in multiple individuals affected with Hereditary Breast And Ovarian Cancer Syndrome (example, Rebbeck_2018). To our knowledge, c.9195T>A (p.Phe3065Leu) has not been reported in isolation both in the literature and at our laboratory. These data indicate that this delins variant is very likely to be associated with disease. To our knowledge, no experimental evidence demonstrating an impact on protein function has been reported. Four clinical diagnostic laboratories have submitted clinical-significance assessments for this variant to ClinVar after 2014 without evidence for independent evaluation. All laboratories classified the variant as pathogenic. Some submitters cite overlapping evidence utilized in the context of this evaluation and report a similar rationale regarding the underlying variant annotation. Based on the evidence outlined above, this delins variant was classified as pathogenic.

Quest Diagnostics Nichols Institute San Juan Capistrano
Classification: Pathogenic. Last evaluated: 2019-11-14. Review status: criteria provided, single submitter. Criteria: Quest Diagnostics criteria. Collection method: clinical testing. Allele origin: unknown.
Comment: The variant creates a premature nonsense codon, and is therefore predicted to result in the loss of a functional protein. Found in at least one patient with expected phenotype for this gene, and not found in general population data.

Counsyl
Classification: Pathogenic for Breast-ovarian cancer, familial, susceptibility to, 2. Last evaluated: 2016-04-13. Review status: no assertion criteria provided. Collection method: clinical testing. Allele origin: unknown. Not counted in ClinVar's aggregate classification.

Literature cited by the submitters: PubMed 20104584 (cited by Labcorp Genetics (formerly Invitae), Labcorp); PubMed 14559878 (cited by Labcorp Genetics (formerly Invitae), Labcorp); PubMed 24504028 (cited by Labcorp Genetics (formerly Invitae), Labcorp and Women's Health and Genetics/Laboratory Corporation of America, LabCorp); PubMed 29446198 (cited by Women's Health and Genetics/Laboratory Corporation of America, LabCorp); PubMed 32046981 (cited by Women's Health and Genetics/Laboratory Corporation of America, LabCorp).